The following continues an entry in ClinVar:

NM_000551.4(VHL):c.562C>G (p.Leu188Val)

ClinVar aggregate classification (germline): Uncertain significance. Uncertain significance (1).

Submissions 15 to 25 of 25:

Mayo Clinic Laboratories, Mayo Clinic
Classification: Likely pathogenic. Last evaluated: 2023-07-27. Review status: criteria provided, single submitter. Criteria: ACMG Guidelines, 2015. Collection method: clinical testing. Allele origin: germline. Observed: 3 variant alleles. Not counted in ClinVar's aggregate classification.
Comment: PP1, PP5, PS3

Women's Health and Genetics/Laboratory Corporation of America, LabCorp
Classification: Pathogenic for Von Hippel-Lindau syndrome. Last evaluated: 2021-04-01. Review status: criteria provided, single submitter. Criteria: LabCorp Variant Classification Summary - May 2015. Collection method: clinical testing. Allele origin: germline. Not counted in ClinVar's aggregate classification.
Comment: Variant summary: VHL c.562C>G (p.Leu188Val) results in a conservative amino acid change located in the alpha domain (IPR024048) of the encoded protein sequence. Four of five in-silico tools predict a damaging effect of the variant on protein function. The variant allele was found at a frequency of 2e-05 in 251424 control chromosomes (gnomAD). c.562C>G has been reported in the literature in multiple individuals affected with Von Hippel-Lindau Syndrome (example: Neumann_1995, Glavac_1996). Individuals from two of these families also had C-cell tumor and extra adrenal pheochromocytoma. The variant also reported to segregate in a family where most of the affected individuals had only pheochromocytoma (Ritter_1996). In functional studies, the variant was able to direct polyubiquitination of transcription factor HIF (hypoxia-inducible factor) but was partially defective to promoting extracellular fibronectin matrix formation (Hoffman_2001). Kurban et al report that in matrigel assays, the renal carcinoma cells expressing the variant were shown to be highly invasive and in nude mouse xenograft assays they were capable of generating highly vascularized tumors (Kurban_2006). These data indicate that the variant is very likely to be associated with disease. Seven ClinVar submitters (evaluation after 2014) cite the variant as pathogenic/likely pathogenic (n=6) or uncertain significance (n=1). Based on the evidence outlined above, the variant was classified as pathogenic.

Department of Pediatrics, Memorial Sloan Kettering Cancer Center
Classification: Pathogenic for Von Hippel-Lindau syndrome. Last evaluated: 2020-12-15. Review status: criteria provided, single submitter. Criteria: ACMG Guidelines, 2015. Collection method: research. Allele origin: germline. Affected: no. Not counted in ClinVar's aggregate classification.

Revvity Omics, Revvity
Classification: Pathogenic. Last evaluated: 2019-04-04. Review status: criteria provided, single submitter. Criteria: ACMG Guidelines, 2015. Collection method: clinical testing. Allele origin: germline. Not counted in ClinVar's aggregate classification.

Human Genome Sequencing Center Clinical Lab, Baylor College of Medicine
Classification: Pathogenic for Von Hippel-Lindau syndrome. Last evaluated: 2017-05-24. Review status: criteria provided, single submitter. Criteria: ACMG Guidelines, 2015. Collection method: clinical testing. Allele origin: germline. Not counted in ClinVar's aggregate classification.
Comment: The c.562C>G (p.Leu188Val) variant has been reported in patients with Von Hippel-Lindau syndrome [PMID 12414898, 12000816]. The variant was originally detected in two families diagnosed with mutiple endocrine neoplasia type IIA but without a RET pathogenic variant [PMID 7563486]. This variant was further detected and characterized as a pathogenic variant in patients with VHL type IIC, a disorder characterized with a risk for pheochromocytoma only [PMID 12414898, 12000816]. This variant was detected in 1/271 patients presenting with non syndromic pheochromocytoma [PMID 12000816]. It was also detected and showed to co- segregate with pheochromocytoma in a family with 6 affected individuals [PMID 12414898]. The variant was found in cis configuration with a p.Pro81Ser variant; however the p.Pro81Ser variant is now classified as likely benign and thus not thought to affect the phenotype of these reported patients. This p.Leu188Val was also reported in two siblings with congenital polycythaemia [PMID 23772956]. In vitro assays showed that this variant affects the extra cellular matrix assembly, which correlated with tumor angiogenesis [PMID 16452184]. The amino acid position 188 of the VHL protein is a hot spot for pathogenic variants causing Von Hippel-Lindau syndrome: additional variants affecting the same amino acid at position 188 (p.Leu188Arg, p.Leu188Gln and p.Leu188Pro) have been reported. This variant was observed in two European (Non Finnish) at the heterozygous state in the ExAC database. Leucine at amino acid position 188 of the VHL protein is highly conserved in mammals and while not clinically validated, computer-based algorithms predict this p.Leu188Val change to be deleterious. This variant is thus classified as pathogenic.

University of Washington Department of Laboratory Medicine, University of Washington
Classification: Pathogenic for Hereditary cancer-predisposing syndrome. Last evaluated: 2015-11-20. Review status: criteria provided, single submitter. Criteria: Shirts et al. (Genet Med 2016). Collection method: clinical testing. Allele origin: germline. Affected: yes. Observed: 1 variant allele. Not counted in ClinVar's aggregate classification.

Institute for Medical Genetics and Human Genetics, Charité - Universitätsmedizin Berlin
Classification: Likely pathogenic for Au-Kline syndrome. Review status: criteria provided, single submitter. Criteria: ACMG Guidelines, 2015. Collection method: not provided. Allele origin: germline. Inheritance: Autosomal dominant inheritance. Affected: yes. Not counted in ClinVar's aggregate classification.

Genomic Diagnostic Laboratory, Division of Genomic Diagnostics, Children's Hospital of Philadelphia
Classification: Pathogenic for Von Hippel-Lindau syndrome. Last evaluated: 2016-02-26. Review status: no assertion criteria provided. Collection method: clinical testing. Allele origin: germline. Affected: yes. Observed: 4 variant alleles. Not counted in ClinVar's aggregate classification.

OMIM
Classification: Pathogenic for VON HIPPEL-LINDAU SYNDROME. Last evaluated: 2003-02-15. Review status: no assertion criteria provided. Collection method: literature only. Allele origin: germline. Not counted in ClinVar's aggregate classification.

OMIM
Classification: Pathogenic for ERYTHROCYTOSIS, FAMILIAL, 2. Last evaluated: 2003-02-15. Review status: no assertion criteria provided. Collection method: literature only. Allele origin: germline. Not counted in ClinVar's aggregate classification.

OMIM
Classification: Pathogenic for PHEOCHROMOCYTOMA. Last evaluated: 2003-02-15. Review status: no assertion criteria provided. Collection method: literature only. Allele origin: germline. Not counted in ClinVar's aggregate classification.

Literature cited by the submitters: PubMed 12097293 (cited by ClinGen VHL Variant Curation Expert Panel, ClinGen); PubMed 11331612 (cited by 7 submitters); PubMed 26846855 (cited by ClinGen VHL Variant Curation Expert Panel, ClinGen); PubMed 23772956 (cited by 3 submitters); PubMed 27517496 (cited by ClinGen VHL Variant Curation Expert Panel, ClinGen); PubMed 15574766 (cited by ClinGen VHL Variant Curation Expert Panel, ClinGen); PubMed 18567581 (cited by 3 submitters); PubMed 16585181 (cited by ClinGen VHL Variant Curation Expert Panel, ClinGen); PubMed 12944410 (cited by ClinGen VHL Variant Curation Expert Panel, ClinGen); PubMed 17700531 (cited by ClinGen VHL Variant Curation Expert Panel, ClinGen); PubMed 19228690 (cited by 6 submitters); PubMed 30890701 (cited by ClinGen VHL Variant Curation Expert Panel, ClinGen); PubMed 16452184 (cited by 7 submitters); PubMed 11331613 (cited by ClinGen VHL Variant Curation Expert Panel, ClinGen); PubMed 19602254 (cited by 4 submitters); PubMed 17898043 (cited by ClinGen VHL Variant Curation Expert Panel, ClinGen); PubMed 10878807 (cited by ClinGen VHL Variant Curation Expert Panel, ClinGen); PubMed 28235946 (cited by ClinGen VHL Variant Curation Expert Panel, ClinGen); PubMed 19030229 (cited by 3 submitters); PubMed 31980715 (cited by ClinGen VHL Variant Curation Expert Panel, ClinGen); PubMed 7563486 (cited by 7 submitters); PubMed 7987306 (cited by 3 submitters); PubMed 8772572 (cited by 7 submitters); PubMed 12000816 (cited by 4 submitters); PubMed 12844285 (cited by 3 submitters); PubMed 15642680 (cited by 3 submitters); PubMed 8707293 (cited by 3 submitters); PubMed 12414898 (cited by 4 submitters); PubMed 34628056 (cited by Color Diagnostics, LLC DBA Color Health and Myriad Genetics, Inc.); PubMed 38969834 (cited by Color Diagnostics, LLC DBA Color Health); PubMed 18836774 (cited by Ambry Genetics); PubMed 8956040 (cited by 3 submitters); PubMed 9829911 (cited by Ambry Genetics); PubMed 19906784 (cited by Myriad Genetics, Inc.); PubMed 35668420 (cited by Laboratory for Molecular Medicine, Mass General Brigham Personalized Medicine); PubMed 28873162 (cited by Department of Pediatrics, Memorial Sloan Kettering Cancer Center); PubMed 12393546 (cited by OMIM).